The following is an entry in ClinVar:

NM_020708.5(SLC12A5):c.2250dup (p.Arg751fs)

Gene: SLC12A5 (solute carrier family 12 member 5; plus strand). Cytogenetic location: 20q13.12.
Variant type: Duplication.
Coding change: c.2250dup on transcript NM_020708.5 (MANE Select); coding-DNA position 2250, one base duplicated (G; older notation c.2250dupG).
Protein change: p.Arg751fs; shifts the reading frame from arginine 751.
Molecular consequence: frameshift variant.
Genome position (GRCh38, 1-based): chr20:46,051,743, G duplicated. VCF-style (leftmost placement, unchanged base first): chr20-46051742-T-TG. GRCh37 (hg19) VCF-style: chr20-44680381-T-TG.
Other names: c.2319dup, p.Arg774fs (NM_001134771.2); short protein forms R751fs, R774fs.
Identifiers: ClinVar variation 848475 (VCV000848475.10), dbSNP rs2084648529, ClinGen allele CA916083757.
Genomic context (GRCh38, chr20:46,051,742, plus strand): 5'-GGCGCCTGATGGAGGCAGAGAAGGTGAAGGGCTTCTGCCAGGTGGTGATCTCCTCCAACT[T>TG]GCGTGATGGCGTGTCCCATCTGATCCAGTCCGGGGGCCTCGGGGGGCTGCAGCACAACAC-3'

ClinVar aggregate classification (germline): Pathogenic (1 of 4 stars; one submission).

Conditions:
Developmental and epileptic encephalopathy, 34 (DEE34). Also called: Early infantile epileptic encephalopathy 34; SLC12A5-Related Epilepsy of Infancy with Migrating Focal Seizures. Identifiers: Orphanet 293181, MedGen C4225257, MONDO:0014718, OMIM 616645.

Submission:

Labcorp Genetics (formerly Invitae), Labcorp
Classification: Pathogenic for Developmental and epileptic encephalopathy, 34. Last evaluated: 2021-02-09. Review status: criteria provided, single submitter. Criteria: Invitae Variant Classification Sherloc (09022015). Collection method: clinical testing. Allele origin: germline.
Comment: This sequence change creates a premature translational stop signal (p.Arg751Alafs*2) in the SLC12A5 gene. It is expected to result in an absent or disrupted protein product. Loss-of-function variants in SLC12A5 are known to be pathogenic (PMID: 26333769, 27436767). This variant is not present in population databases (ExAC no frequency). For these reasons, this variant has been classified as Pathogenic. This variant has not been reported in the literature in individuals with SLC12A5-related conditions. ClinVar contains an entry for this variant (Variation ID: 848475).

Literature cited by the submitters: PubMed 26333769; PubMed 27436767.